The following is an entry in ClinVar:

NM_001244008.2(KIF1A):c.4498G>C (p.Glu1500Gln)

Gene: KIF1A (kinesin family member 1A; minus strand). Cytogenetic location: 2q37.3.
Variant type: single nucleotide variant.
Coding change: c.4498G>C on transcript NM_001244008.2 (MANE Select); coding-DNA position 4498, G replaced by C.
Protein change: p.Glu1500Gln; replaces glutamic acid 1500 with glutamine.
Molecular consequence: missense variant.
Genome position (GRCh38, 1-based): chr2:240,722,623, C>G on the plus strand (G>C on the coding strand, the complement: KIF1A is on the minus strand). VCF-style: chr2-240722623-C-G. GRCh37 (hg19) VCF-style: chr2-241662040-C-G.
Other names: c.4222G>C, p.Glu1408Gln (NM_001320705.2, NM_001379649.1); c.4249G>C, p.Glu1417Gln (NM_001330289.2); c.4297G>C, p.Glu1433Gln (NM_001330290.2, NM_001379648.1); c.4573G>C, p.Glu1525Gln (NM_001379631.1); c.4474G>C, p.Glu1492Gln (NM_001379632.1); c.4471G>C, p.Glu1491Gln (NM_001379633.1, NM_001379645.1); c.4324G>C, p.Glu1442Gln (NM_001379634.1); c.4321G>C, p.Glu1441Gln (NM_001379635.1, NM_001379646.1); and 7 more; short protein forms E1417Q, E1433Q, E1399Q, E1408Q, E1500Q, E1398Q, E1407Q, E1416Q.
Identifiers: ClinVar variation 640400 (VCV000640400.58), dbSNP rs376432305, ClinGen allele CA2207399.

ClinVar aggregate classification (germline): Conflicting classifications of pathogenicity. Review status: criteria provided, conflicting classifications (1 of 4 stars). 8 submissions from 8 submitters: Uncertain significance (6); Likely benign (2). Last evaluated 2026-06-23.

Conditions:
KIF1A-related disorder. Also called: KIF1A-related disorders; KIF1A-related condition.
Inborn genetic diseases. Identifiers: MedGen C0950123, MeSH D030342.
Neuropathy, hereditary sensory, type 2C. Also called: Hereditary sensory and autonomic neuropathy type IIC; KIF1A-Related HSAN2 (HSAN2C). Identifiers: Orphanet 970, MedGen C3280168, MONDO:0013634, OMIM 614213.
Intellectual disability, autosomal dominant 9 (NESCAVS). Also called: KIF1A-Related Neurodevelopmental Disorder; NESCAV SYNDROME. Identifiers: Orphanet 662367, MedGen C5393830, MONDO:0013656, OMIM 614255.
Hereditary spastic paraplegia 30. Identifiers: Orphanet 101010, MedGen C5235139, MONDO:0012476.
Neuropathy, hereditary sensory and autonomic, type 2A (HSAN2A). Also called: HSAN IIA; MORVAN DISEASE; NEUROPATHY, CONGENITAL SENSORY; NEUROPATHY, HEREDITARY SENSORY RADICULAR, AUTOSOMAL RECESSIVE; NEUROPATHY, HEREDITARY SENSORY, TYPE IIA; NEUROPATHY, PROGRESSIVE SENSORY, OF CHILDREN. Identifiers: Orphanet 970, MedGen C2752089, MONDO:0024309, OMIM 201300.

Allele frequency attached by ClinVar (database versions not stated): gnomAD exomes 0.00006; gnomAD 0.00009 and 0.00011; TOPMed 0.00010; ESP Exome Variant Server 0.00016; ExAC 0.00022.
gnomAD v4.1: 95 of 1,560,890 alleles (0.0061%); highest among the groups gnomAD compares: Non-Finnish European, 0.0074%; no homozygotes.

Submissions (8):

PreventionGenetics, part of Exact Sciences
Classification: Uncertain significance for KIF1A-related condition. Last evaluated: 2026-06-23. Review status: criteria provided, single submitter. Criteria: ACMG Guidelines, 2015. Collection method: clinical testing. Allele origin: germline.
Comment: The KIF1A c.4498G>C variant is predicted to result in the amino acid substitution p.Glu1500Gln. To our knowledge, this variant has not been reported in the literature. This variant is reported in 0.011% of alleles in individuals of European (Non-Finnish) descent in gnomAD. At this time, the clinical significance of this variant is uncertain due to the absence of conclusive functional and genetic evidence.

Labcorp Genetics (formerly Invitae), Labcorp
Classification: Likely benign for Hereditary spastic paraplegia 30; Neuropathy, hereditary sensory, type 2C; Intellectual disability, autosomal dominant 9. Last evaluated: 2025-12-31. Review status: criteria provided, single submitter. Criteria: Invitae Variant Classification Sherloc (09022015). Collection method: clinical testing. Allele origin: germline.

Laboratory of Genetics, Children's Clinical University Hospital Latvia
Classification: Likely benign. Last evaluated: 2025-02-16. Review status: criteria provided, single submitter. Criteria: ACMG Guidelines, 2015. Collection method: clinical testing. Allele origin: germline. Affected: yes.

CeGaT Center for Human Genetics Tuebingen
Classification: Uncertain significance. Last evaluated: 2023-12-01. Review status: criteria provided, single submitter. Criteria: CeGaT Center For Human Genetics Tuebingen Variant Classification Criteria Version 2. Collection method: clinical testing. Allele origin: germline. Affected: yes. Observed: 4 variant alleles.
Comment: KIF1A: PP3

GeneDx
Classification: Uncertain significance. Last evaluated: 2022-08-08. Review status: criteria provided, single submitter. Criteria: GeneDx Variant Classification Process June 2021. Collection method: clinical testing. Allele origin: germline. Affected: yes.
Comment: In silico analysis supports that this missense variant has a deleterious effect on protein structure/function; Has not been previously published as pathogenic or benign to our knowledge

Department of Pathology and Laboratory Medicine, Sinai Health System
Classification: Uncertain significance for Neuropathy, hereditary sensory and autonomic, type 2A; Spastic paraplegia 30A, autosomal dominant; Neuropathy, hereditary sensory, type 2C; Intellectual disability, autosomal dominant 9. Last evaluated: 2022-04-26. Review status: criteria provided, single submitter. Criteria: ACMG Guidelines, 2015. Collection method: research. Allele origin: germline.

Ambry Genetics
Classification: Uncertain significance for Inborn genetic diseases. Last evaluated: 2021-03-29. Review status: criteria provided, single submitter. Criteria: Ambry Variant Classification Scheme 2023. Collection method: clinical testing. Allele origin: germline.
Comment: The p.E1500Q variant (also known as c.4498G>C), located in coding exon 42 of the KIF1A gene, results from a G to C substitution at nucleotide position 4498. The glutamic acid at codon 1500 is replaced by glutamine, an amino acid with highly similar properties. This amino acid position is highly conserved in available vertebrate species. In addition, the in silico prediction for this alteration is inconclusive. Since supporting evidence is limited at this time, the clinical significance of this alteration remains unclear.

ARUP Laboratories, Molecular Genetics and Genomics, ARUP Laboratories
Classification: Uncertain significance. Last evaluated: 2018-07-10. Review status: criteria provided, single submitter. Criteria: ARUP Molecular Germline Variant Investigation Process. Collection method: clinical testing. Allele origin: germline.
Comment: The KIF1A c.4195G>C; p.Glu1399Gln variant (rs376432305), to our knowledge, is not reported in the medical literature or gene specific databases. This variant is found in the general population with an overall allele frequency of 0.005% (13 / 202,520 alleles) in the Genome Aggregation Database. The glutamic acid at codon 1399 is highly conserved but computational analyses (SIFT: damaging, PolyPhen-2: benign) predict conflicting effects of this variant on protein structure/function. Due to limited information, the clinical significance of the p.Glu1399Gln variant is uncertain at this time.